The following is an entry in ClinVar:

ClinVar aggregate classification (germline): Uncertain significance. Review status: criteria provided, multiple submitters, no conflicts (2 of 4 stars). 2 submissions from 2 submitters: Uncertain significance (2). Last evaluated 2025-01-14.

Conditions:
Hereditary cancer-predisposing syndrome. Also called: Hereditary neoplastic syndrome; Tumor predisposition; Hereditary Cancer Syndrome; Neoplastic Syndromes, Hereditary. Identifiers: Orphanet 140162, MedGen C0027672, MeSH D009386, MONDO:0015356.
Gastrointestinal stromal tumor. Also called: Gastrointestinal stroma tumor; Gastrointestinal stromal tumor, somatic. Identifiers: Orphanet 44890, MedGen C0238198, MeSH D046152, MONDO:0011719, OMIM 606764, HP:0100723.

Allele frequency attached by ClinVar (database versions not stated): gnomAD exomes 0.00001.
gnomAD v4.1: 4 of 1,613,722 alleles (0.00025%); highest among the groups gnomAD compares: South Asian, 0.0044%; no homozygotes.

Submissions (2):

Ambry Genetics
Classification: Uncertain significance for Hereditary cancer-predisposing syndrome. Last evaluated: 2025-01-14. Review status: criteria provided, single submitter. Criteria: Ambry Variant Classification Scheme 2023. Collection method: clinical testing. Allele origin: germline.
Comment: The c.756G>A variant (also known as p.Q252Q), located in coding exon 4 of the KIT gene, results from a G to A substitution at nucleotide position 756. This nucleotide substitution does not change the glutamine at codon 252. However, this change occurs in the last base pair of coding exon 4, which makes it likely to have some effect on normal mRNA splicing. This nucleotide position is highly conserved in available vertebrate species. In silico splice site analysis predicts that this alteration may weaken the native splice donor site. Based on the available evidence, the clinical significance of this variant remains unclear.

Labcorp Genetics (formerly Invitae), Labcorp
Classification: Uncertain significance for Gastrointestinal stromal tumor. Last evaluated: 2021-01-27. Review status: criteria provided, single submitter. Criteria: Invitae Variant Classification Sherloc (09022015). Collection method: clinical testing. Allele origin: germline.
Comment: This sequence change affects codon 252 of the KIT mRNA. It is a 'silent' change, meaning that it does not change the encoded amino acid sequence of the KIT protein. This variant also falls at the last nucleotide of exon 4, which is part of the consensus splice site for this exon. This variant is not present in population databases (ExAC no frequency). This variant has not been reported in the literature in individuals with KIT-related conditions. Nucleotide substitutions within the consensus splice site are a relatively common cause of aberrant splicing (PMID: 17576681, 9536098). Algorithms developed to predict the effect of sequence changes on RNA splicing suggest that this variant is not likely to affect RNA splicing, but this prediction has not been confirmed by published transcriptional studies. In summary, the available evidence is currently insufficient to determine the role of this variant in disease. Therefore, it has been classified as a Variant of Uncertain Significance.

Literature cited by the submitters: PubMed 17576681 (cited by Labcorp Genetics (formerly Invitae), Labcorp); PubMed 9536098 (cited by Labcorp Genetics (formerly Invitae), Labcorp).

NM_000222.3(KIT):c.756G>A (p.Gln252=)

Gene: KIT (KIT proto-oncogene, receptor tyrosine kinase; plus strand). Cytogenetic location: 4q12.
Variant type: single nucleotide variant.
Coding change: c.756G>A on transcript NM_000222.3 (MANE Select); coding-DNA position 756, G replaced by A.
Protein change: p.Gln252=; no amino-acid change (glutamine 252 retained).
Molecular consequence: synonymous variant.
Genome position (GRCh38, 1-based): chr4:54,699,766, G>A. VCF-style: chr4-54699766-G-A. GRCh37 (hg19) VCF-style: chr4-55565932-G-A.
Other names: c.756G>A, p.Gln252= (NM_001093772.2, NM_001385284.1, NM_001385285.1 and 4 more transcripts); c.756G>A (NM_000222.2).
Identifiers: ClinVar variation 1476377 (VCV001476377.7), dbSNP rs2109679584, ClinGen allele CA439288248.